The following is an entry in ClinVar:

NM_001370259.2(MEN1):c.870G>A (p.Glu290=)

Gene: MEN1 (menin 1; minus strand). Cytogenetic location: 11q13.1.
Variant type: single nucleotide variant.
Coding change: c.870G>A on transcript NM_001370259.2 (MANE Select); coding-DNA position 870, G replaced by A.
Protein change: p.Glu290=; no amino-acid change (glutamic acid 290 retained).
Molecular consequence: synonymous variant. On other transcripts: non-coding transcript variant (4).
Genome position (GRCh38, 1-based): chr11:64,807,053, C>T on the plus strand (G>A on the coding strand, the complement: MEN1 is on the minus strand). VCF-style: chr11-64807053-C-T. GRCh37 (hg19) VCF-style: chr11-64574525-C-T.
Other names: c.885G>A, p.Glu295= (NM_000244.4, NM_001407145.1, NM_001407150.1 and 5 more transcripts); c.870G>A, p.Glu290= (NM_001370251.2, NM_001370260.2, NM_001370261.2 and 7 more transcripts); c.765G>A, p.Glu255= (NM_001370262.2, NM_001370263.2, NM_001407148.1 and 2 more transcripts).
Identifiers: ClinVar variation 1764404 (VCV001764404.6), dbSNP rs1337324454, ClinGen allele CA474983585.

ClinVar aggregate classification (germline): Benign/Likely benign. Review status: criteria provided, multiple submitters, no conflicts (2 of 4 stars). 3 submissions from 3 submitters: Benign (1); Likely benign (2). Last evaluated 2024-11-04.

Conditions:
Multiple endocrine neoplasia, type 1 (MEN1). Also called: MEN I; WERMER SYNDROME; Endocrine adenomatosis multiple; MEN 1; MEA I. Identifiers: Orphanet 652, MedGen C0025267, MeSH D018761, MONDO:0007540, OMIM 131100.
Hereditary cancer-predisposing syndrome. Also called: Neoplastic Syndromes, Hereditary; Tumor predisposition; Hereditary neoplastic syndrome; Hereditary Cancer Syndrome. Identifiers: Orphanet 140162, MedGen C0027672, MeSH D009386, MONDO:0015356.

Allele frequency attached by ClinVar (database versions not stated): gnomAD exomes below 0.00001.
gnomAD v4.1: 1 of 1,613,728 alleles (0.000062%); highest among the groups gnomAD compares: Non-Finnish European, 0.000085%; no homozygotes.

Submissions (3):

Myriad Genetics, Inc.
Classification: Benign for Multiple endocrine neoplasia, type 1. Last evaluated: 2024-11-04. Review status: criteria provided, single submitter. Criteria: Myriad Autosomal Dominant, Autosomal Recessive and X-Linked Classification Criteria (2023). Collection method: clinical testing. Allele origin: unknown.
Comment: This variant is considered benign. This variant is a silent/synonymous amino acid change and it is not expected to impact splicing.

Labcorp Genetics (formerly Invitae), Labcorp
Classification: Likely benign for Multiple endocrine neoplasia, type 1. Last evaluated: 2024-04-22. Review status: criteria provided, single submitter. Criteria: Invitae Variant Classification Sherloc (09022015). Collection method: clinical testing. Allele origin: germline.

Ambry Genetics
Classification: Likely benign for Hereditary cancer-predisposing syndrome. Last evaluated: 2020-09-19. Review status: criteria provided, single submitter. Criteria: Ambry Variant Classification Scheme 2023. Collection method: clinical testing. Allele origin: germline.